The following is an entry in ClinVar:

ClinVar aggregate classification (germline): Conflicting classifications of pathogenicity. Review status: criteria provided, conflicting classifications (1 of 4 stars). 5 submissions from 5 submitters: Likely pathogenic (3); Uncertain significance (1). 1 of the submissions does not count toward it. Last evaluated 2026-08-06.

Conditions:
Fanconi anemia complementation group A (FANCA). Also called: Fanconi anemia, group A; FANCA-Related Fanconi Anemia. Identifiers: Orphanet 84, MedGen C3469521, MONDO:0009215, OMIM 227650.
Fanconi anemia (FA). Also called: Fanconi's anemia. Identifiers: Orphanet 84, MedGen C0015625, MeSH D005199, MONDO:0019391.

gnomAD v4.1: 2 of 1,614,272 alleles (0.00012%); highest among the groups gnomAD compares: South Asian, 0.0011%; no homozygotes.

Submissions (5):

OLLIN Analises Genomicas, OLLIN
Classification: Uncertain significance for Fanconi anemia complementation group A. Last evaluated: 2026-08-06. Review status: criteria provided, single submitter. Criteria: ACMG Guidelines 2015 PMID 25741868. Collection method: clinical testing. Allele origin: germline. Inheritance: Autosomal recessive inheritance.
Comment: This missense variant, located in exon 42 (of 43), has been reported in ClinVar (accession VCV000803290.10) and in gnomAD with an allele frequency of 0.00012%. However, to our knowledge, it has not been reported in the scientific literature. In silico analysis predicts that this variant has a tolerated effect. Another pathogenic variant affecting the same amino acid residue has been reported. According to the currently available evidence, this variant has been classified as uncertain significance (PM2_P, PM3, PM5, BP4).

Myriad Genetics, Inc.
Classification: Likely pathogenic for Fanconi anemia complementation group A. Last evaluated: 2026-07-31. Review status: criteria provided, single submitter. Criteria: Myriad Autosomal Dominant, Autosomal Recessive and X-Linked Classification Criteria (2023). Collection method: clinical testing. Allele origin: unknown.
Comment: NM_000135.2(FANCA):c.4199G>C(R1400P) is a missense variant classified as likely pathogenic in the context of Fanconi anemia complementation group A. R1400P has been observed in cases with relevant disease (PMID: 34585473, 30792206, 28717661, 35417938). Relevant functional assessments of this variant are not available in the literature. Internal structural analysis of the variant is supportive of pathogenicity. R1400P has not been observed in referenced population frequency databases. In summary, NM_000135.2(FANCA):c.4199G>C(R1400P) is a missense variant that has internal structural support for pathogenicity and has been observed more frequently in cases with the relevant disease than in healthy populations. Please note: this variant was assessed in the context of healthy population screening.

Labcorp Genetics (formerly Invitae), Labcorp
Classification: Likely pathogenic for Fanconi anemia. Last evaluated: 2023-06-14. Review status: criteria provided, single submitter. Criteria: Invitae Variant Classification Sherloc (09022015). Collection method: clinical testing. Allele origin: germline.
Comment: This sequence change replaces arginine, which is basic and polar, with proline, which is neutral and non-polar, at codon 1400 of the FANCA protein (p.Arg1400Pro). In summary, the currently available evidence indicates that the variant is pathogenic, but additional data are needed to prove that conclusively. Therefore, this variant has been classified as Likely Pathogenic. This variant disrupts the p.Arg1400 amino acid residue in FANCA. Other variant(s) that disrupt this residue have been determined to be pathogenic (PMID: 15643609, 21273304, 24584348, 28102861, 28717661, 29098742). This suggests that this residue is clinically significant, and that variants that disrupt this residue are likely to be disease-causing. Advanced modeling of protein sequence and biophysical properties (such as structural, functional, and spatial information, amino acid conservation, physicochemical variation, residue mobility, and thermodynamic stability) has been performed at Invitae for this missense variant, however the output from this modeling did not meet the statistical confidence thresholds required to predict the impact of this variant on FANCA protein function. ClinVar contains an entry for this variant (Variation ID: 803290). This missense change has been observed in individuals with Fanconi anemia (PMID: 28717661, 30792206, 34585473). This variant is not present in population databases (gnomAD no frequency).

Mendelics
Classification: Likely pathogenic for Fanconi anemia complementation group A. Last evaluated: 2019-05-28. Review status: criteria provided, single submitter. Criteria: Mendelics Assertion Criteria 2017. Collection method: clinical testing. Allele origin: unknown.

Leiden Open Variation Database
Classification: Uncertain significance. Last evaluated: 2020-02-28. Review status: no assertion criteria provided. Collection method: curation. Allele origin: germline. Affected: yes. Not counted in ClinVar's aggregate classification.
Comment: Curator: Arleen D. Auerbach. Submitter to LOVD: Daniela Pilonetto.

Literature cited by the submitters: PubMed 28717661 (cited by Myriad Genetics, Inc. and Labcorp Genetics (formerly Invitae), Labcorp); PubMed 30792206 (cited by Myriad Genetics, Inc. and Labcorp Genetics (formerly Invitae), Labcorp); PubMed 34585473 (cited by Myriad Genetics, Inc. and Labcorp Genetics (formerly Invitae), Labcorp); PubMed 35417938 (cited by Myriad Genetics, Inc.); PubMed 15643609 (cited by Labcorp Genetics (formerly Invitae), Labcorp); PubMed 21273304 (cited by Labcorp Genetics (formerly Invitae), Labcorp); PubMed 24584348 (cited by Labcorp Genetics (formerly Invitae), Labcorp); PubMed 28102861 (cited by Labcorp Genetics (formerly Invitae), Labcorp); PubMed 29098742 (cited by Labcorp Genetics (formerly Invitae), Labcorp).

NM_000135.4(FANCA):c.4199G>C (p.Arg1400Pro)

Genes: FANCA (FA complementation group A; minus strand), ZNF276 (zinc finger protein 276; plus strand). Cytogenetic location: 16q24.3.
Variant type: single nucleotide variant.
Coding change: c.4199G>C on transcript NM_000135.4 (MANE Select); coding-DNA position 4199, G replaced by C.
Protein change: p.Arg1400Pro; replaces arginine 1400 with proline.
Molecular consequence: missense variant. On other transcripts: synonymous variant (1), 3 prime UTR variant (2), non-coding transcript variant (4).
Genome position (GRCh38, 1-based): chr16:89,738,943, C>G on the plus strand (G>C on the coding strand, the complement: FANCA is on the minus strand). VCF-style: chr16-89738943-C-G. GRCh37 (hg19) VCF-style: chr16-89805351-C-G.
Other names: c.4203G>C, p.Ser1401= (NM_001286167.3); c.*697C>G (NM_001113525.2, NM_152287.4); short protein forms R1400P.
Identifiers: ClinVar variation 803290 (VCV000803290.11), dbSNP rs149851163, ClinGen allele CA397483587.